The following is an entry in ClinVar:

NM_001129.5(AEBP1):c.1261A>T (p.Thr421Ser)

Gene: AEBP1 (AE binding protein 1; plus strand). Cytogenetic location: 7p13.
Variant type: single nucleotide variant.
Coding change: c.1261A>T on transcript NM_001129.5 (MANE Select); coding-DNA position 1261, A replaced by T.
Protein change: p.Thr421Ser; replaces threonine 421 with serine.
Molecular consequence: missense variant.
Genome position (GRCh38, 1-based): chr7:44,110,207, A>T. VCF-style: chr7-44110207-A-T. GRCh37 (hg19) VCF-style: chr7-44149806-A-T.
Other names: short protein forms T421S.
Identifiers: ClinVar variation 4536022 (VCV004536022.1).
Genomic context (GRCh38, chr7:44,110,207, plus strand): 5'-CTCCCAACTGGGATAAGGGACTCCTCCGCCCATGCTCAGCCTCCCCTGCCCCCTGGACAG[A>T]CCGGTGCCACTGAGGACGACTACTATGATGGTGCGTGGTGTGCCGAGGACGATGCCAGGA-3'
Protein context (NP_001120.3, residues 411-431): GAQRGRLNMQ[Thr421Ser]GATEDDYYDG

ClinVar aggregate classification (germline): Uncertain significance (1 of 4 stars; one submission).

gnomAD v4.1: 2 of 1,613,476 alleles (0.00012%); highest among the groups gnomAD compares: East Asian, 0.0045%; no homozygotes.

Submission:

Women's Health and Genetics/Laboratory Corporation of America, LabCorp
Classification: Uncertain significance. Last evaluated: 2025-09-23. Review status: criteria provided, single submitter. Criteria: LabCorp Variant Classification Summary - May 2015. Collection method: clinical testing. Allele origin: germline.
Comment: Variant summary: AEBP1 c.1261A>T (p.Thr421Ser) results in a conservative amino acid change in the encoded protein sequence near a canonical splice site. Algorithms developed to predict the effect of missense changes on protein structure and function are either unavailable or do not agree on the potential impact of this missense change. Consensus agreement among computation tools predict no significant impact on normal splicing. However, these predictions have yet to be confirmed by functional studies. The variant allele was found at a frequency of 4e-06 in 250592 control chromosomes. The available data on variant occurrences in the general population are insufficient to allow any conclusion about variant significance. To our knowledge, no occurrence of c.1261A>T in individuals affected with AEBP1-related conditions and no experimental evidence demonstrating its impact on protein function have been reported. No submitters have cited clinical-significance assessments for this variant to ClinVar. Based on the evidence outlined above, the variant was classified as uncertain significance.